The following is an entry in ClinVar:

ClinVar aggregate classification (germline): Uncertain significance (1 of 4 stars; one submission).

Submission:

Labcorp Genetics (formerly Invitae), Labcorp
Classification: Uncertain significance. Last evaluated: 2024-02-20. Review status: criteria provided, single submitter. Criteria: Invitae Variant Classification Sherloc (09022015). Collection method: clinical testing. Allele origin: germline.
Comment: This sequence change replaces arginine, which is basic and polar, with glutamine, which is neutral and polar, at codon 155 of the POLR3F protein (p.Arg155Gln). This variant is present in population databases (rs749735863, gnomAD 0.004%). This variant has not been reported in the literature in individuals affected with POLR3F-related conditions. Experimental studies and prediction algorithms are not available or were not evaluated, and the functional significance of this variant is currently unknown. In summary, the available evidence is currently insufficient to determine the role of this variant in disease. Therefore, it has been classified as a Variant of Uncertain Significance.

NM_006466.4(POLR3F):c.587G>A (p.Arg196Gln)

Gene: POLR3F (RNA polymerase III subunit F; plus strand). Cytogenetic location: 20p11.23.
Variant type: single nucleotide variant.
Coding change: c.587G>A on transcript NM_006466.4 (MANE Select); coding-DNA position 587, G replaced by A.
Protein change: p.Arg196Gln; replaces arginine 196 with glutamine.
Molecular consequence: missense variant. On other transcripts: non-coding transcript variant (1).
Genome position (GRCh38, 1-based): chr20:18,480,415, G>A. VCF-style: chr20-18480415-G-A. GRCh37 (hg19) VCF-style: chr20-18461059-G-A.
Other names: c.464G>A, p.Arg155Gln (NM_001282526.2); c.443G>A, p.Arg148Gln (NM_001410821.1); short protein forms R148Q, R155Q, R196Q.
Identifiers: ClinVar variation 3626085 (VCV003626085.2).
Genomic context (GRCh38, chr20:18,480,415, plus strand): 5'-ACACACCAATATTCTTATTTACATTTCTTATGTTTCAATCCTTATAGGCAGAAACAGCAC[G>A]AGAAAGCAAACAGAACCCAATGATACAAAGAAATAGTTCATTTGCCTCATCACATGAAGT-3'
Protein context (NP_006457.2, residues 186-206): KFLQSKAETA[Arg196Gln]ESKQNPMIQR